The following is an entry in ClinVar:

NM_005445.4(SMC3):c.3307A>C (p.Thr1103Pro)

Gene: SMC3 (structural maintenance of chromosomes 3; plus strand). Cytogenetic location: 10q25.2.
Variant type: single nucleotide variant.
Coding change: c.3307A>C on transcript NM_005445.4 (MANE Select); coding-DNA position 3307, A replaced by C.
Protein change: p.Thr1103Pro; replaces threonine 1103 with proline.
Molecular consequence: missense variant.
Genome position (GRCh38, 1-based): chr10:110,602,834, A>C. VCF-style: chr10-110602834-A-C. GRCh37 (hg19) VCF-style: chr10-112362592-A-C.
Other names: short protein forms T1103P.
Identifiers: ClinVar variation 4885598 (VCV004885598.2).

ClinVar aggregate classification (germline): Uncertain significance (1 of 4 stars; one submission).

Submission:

Dasa
Classification: Uncertain significance. Last evaluated: 2025-09-25. Review status: criteria provided, single submitter. Criteria: DASA Assertion Criteria. Collection method: clinical testing. Allele origin: germline.
Comment: NM_005445.4(SMC3):c.3307A>C (p.Thr1103Pro) is a missense variant that results in the substitution of threonine with proline. This variant is absent from population databases. Computational prediction algorithms are consistent with a deleterious effect. The currently available literature and clinical evidence are not sufficient to establish a definitive association between this variant and the reported condition. Therefore, this variant is classified as a variant of uncertain significance.